The following is an entry in ClinVar:

NM_001374828.1(ARID1B):c.1358C>G (p.Ser453Cys)

Gene: ARID1B (AT-rich interaction domain 1B; plus strand). Cytogenetic location: 6q25.3.
Variant type: single nucleotide variant.
Coding change: c.1358C>G on transcript NM_001374828.1 (MANE Select); coding-DNA position 1358, C replaced by G.
Protein change: p.Ser453Cys; replaces serine 453 with cysteine.
Molecular consequence: missense variant.
Genome position (GRCh38, 1-based): chr6:156,779,038, C>G. VCF-style: chr6-156779038-C-G. GRCh37 (hg19) VCF-style: chr6-157100172-C-G.
Other names: c.1358C>G, p.Ser453Cys (NM_001374820.1, NM_017519.3, NM_001371656.1); short protein forms S453C.
Identifiers: ClinVar variation 3653990 (VCV003653990.2).

ClinVar aggregate classification (germline): Uncertain significance (1 of 4 stars; one submission).

gnomAD v4.1: 2 of 1,223,272 alleles (0.00016%); highest among the groups gnomAD compares: African/African-American, 0.0033%; no homozygotes.

Submission:

Labcorp Genetics (formerly Invitae), Labcorp
Classification: Uncertain significance. Last evaluated: 2024-05-21. Review status: criteria provided, single submitter. Criteria: Invitae Variant Classification Sherloc (09022015). Collection method: clinical testing. Allele origin: germline.
Comment: This sequence change replaces serine, which is neutral and polar, with cysteine, which is neutral and slightly polar, at codon 370 of the ARID1B protein (p.Ser370Cys). The frequency data for this variant in the population databases is considered unreliable, as metrics indicate insufficient coverage at this position in the gnomAD database. This variant has not been reported in the literature in individuals affected with ARID1B-related conditions. An algorithm developed to predict the effect of missense changes on protein structure and function (PolyPhen-2) suggests that this variant is likely to be disruptive. In summary, the available evidence is currently insufficient to determine the role of this variant in disease. Therefore, it has been classified as a Variant of Uncertain Significance.